The following is an entry in ClinVar:

ClinVar aggregate classification (germline): Benign/Likely benign. Review status: criteria provided, multiple submitters, no conflicts (2 of 4 stars). 2 submissions from 2 submitters: Benign (1); Likely benign (1). Last evaluated 2024-04-26.

Conditions:
Familial cancer of breast. Also called: Hereditary breast cancer; hereditary breast carcinoma; BREAST CANCER, FAMILIAL. Identifiers: Orphanet 227535, MedGen C0346153, MONDO:0016419, OMIM 114480. Disease mechanism: loss of function.
Ataxia-telangiectasia syndrome (AT). Also called: AT, COMPLEMENTATION GROUP C; Ataxia telangiectasia (A-T); ATAXIA-TELANGIECTASIA, COMPLEMENTATION GROUP A; ATAXIA-TELANGIECTASIA, FRESNO VARIANT; Ataxia-telangiectasia, complementation group D; Ataxia-telangiectasia, complementation group E. Identifiers: Orphanet 100, MedGen C0004135, MONDO:0008840, OMIM 208900.

Submissions (2):

Myriad Genetics, Inc.
Classification: Benign for Familial cancer of breast. Last evaluated: 2024-04-26. Review status: criteria provided, single submitter. Criteria: Myriad Autosomal Dominant, Autosomal Recessive and X-Linked Classification Criteria (2023). Collection method: clinical testing. Allele origin: unknown.
Comment: This variant is considered benign. This variant is a silent/synonymous amino acid change and it is not expected to impact splicing.

Labcorp Genetics (formerly Invitae), Labcorp
Classification: Likely benign for Ataxia-telangiectasia syndrome. Last evaluated: 2024-02-18. Review status: criteria provided, single submitter. Criteria: Invitae Variant Classification Sherloc (09022015). Collection method: clinical testing. Allele origin: germline.

NM_000051.4(ATM):c.1299T>C (p.Ser433=)

Gene: ATM (ATM serine/threonine kinase; plus strand). Cytogenetic location: 11q22.3.
Variant type: single nucleotide variant.
Coding change: c.1299T>C on transcript NM_000051.4 (MANE Select); coding-DNA position 1299, T replaced by C.
Protein change: p.Ser433=; no amino-acid change (serine 433 retained).
Molecular consequence: synonymous variant.
Genome position (GRCh38, 1-based): chr11:108,250,764, T>C. VCF-style: chr11-108250764-T-C. GRCh37 (hg19) VCF-style: chr11-108121491-T-C.
Other names: c.1299T>C, p.Ser433= (NM_001351834.2).
Identifiers: ClinVar variation 2863024 (VCV002863024.4), dbSNP rs1565382118, ClinGen allele CA476671899.